The following is an entry in ClinVar:

NM_001033047.3(NPNT):c.1469C>T (p.Thr490Met)

Gene: NPNT (nephronectin; plus strand). Cytogenetic location: 4q24.
Variant type: single nucleotide variant.
Coding change: c.1469C>T on transcript NM_001033047.3 (MANE Select); coding-DNA position 1469, C replaced by T.
Protein change: p.Thr490Met; replaces threonine 490 with methionine.
Molecular consequence: missense variant.
Genome position (GRCh38, 1-based): chr4:105,967,311, C>T. VCF-style: chr4-105967311-C-T. GRCh37 (hg19) VCF-style: chr4-106888468-C-T.
Other names: c.1520C>T, p.Thr507Met (NM_001184690.2); c.1559C>T, p.Thr520Met (NM_001184691.2); c.1382C>T, p.Thr461Met (NM_001184692.2); c.1472C>T, p.Thr491Met (NM_001184693.2); short protein forms T520M, T461M, T491M, T490M, T507M.
Identifiers: ClinVar variation 4987369 (VCV004987369.1).

ClinVar aggregate classification (germline): Likely benign (1 of 4 stars; one submission).

Conditions:
NPNT-related condition.

gnomAD v4.1: 1,725 of 1,613,712 alleles (0.11%); highest among the groups gnomAD compares: Non-Finnish European, 0.13%; 3 homozygotes.

Submission:

PreventionGenetics, part of Exact Sciences
Classification: Likely benign for NPNT-related condition. Last evaluated: 2025-05-19. Review status: criteria provided, single submitter. Criteria: ACMG Guidelines, 2015. Collection method: clinical testing. Allele origin: germline.
Comment: This variant is classified as likely benign based on ACMG/AMP sequence variant interpretation guidelines (Richards et al. 2015 PMID: 25741868, with internal and published modifications).